The following is an entry in ClinVar:

ClinVar aggregate classification (germline): Uncertain significance (1 of 4 stars; one submission).

Conditions:
Autosomal dominant striatal neurodegeneration type 1. Identifiers: Orphanet 228169, MedGen C4310808, MONDO:0012205, OMIM 609161.

Submission:

3billion
Classification: Uncertain significance for Autosomal dominant striatal neurodegeneration type 1. Last evaluated: 2025-12-03. Review status: criteria provided, single submitter. Criteria: ACMG Guidelines, 2015. Collection method: clinical testing. Allele origin: germline. Affected: yes.
Comment: The variant is not observed in the gnomAD v4.1.0 dataset. Predicted Consequence/Location: Missense variant. The majority of the known disease-causing variants of this gene are variants expected to result in premature termination of the protein. Therefore, this variant is classified as VUS according to the recommendation of ACMG/AMP guideline.

NM_003719.5(PDE8B):c.136C>G (p.Gln46Glu)

Gene: PDE8B (phosphodiesterase 8B; plus strand). Cytogenetic location: 5q13.3.
Variant type: single nucleotide variant.
Coding change: c.136C>G on transcript NM_003719.5 (MANE Select); coding-DNA position 136, C replaced by G.
Protein change: p.Gln46Glu; replaces glutamine 46 with glutamic acid.
Molecular consequence: missense variant. On other transcripts: 5 prime UTR variant (1), intron variant (15).
Genome position (GRCh38, 1-based): chr5:77,211,061, C>G. VCF-style: chr5-77211061-C-G. GRCh37 (hg19) VCF-style: chr5-76506886-C-G.
Other names: c.136C>G, p.Gln46Glu (NM_001029851.4, NM_001029852.4, NM_001029853.4 and 7 more transcripts); c.-234C>G (NM_001349753.2); c.-34+92540C>G (NM_001414622.1, NM_001414623.1); c.36+30575C>G (NM_001349750.3, NM_001376069.1, NM_001376062.1 and 7 more transcripts); c.-34+1015C>G (NM_001376067.1, NM_001376075.1); c.-31+1015C>G (NM_001376068.1); short protein forms Q46E.
Identifiers: ClinVar variation 4856130 (VCV004856130.1).
Genomic context (GRCh38, chr5:77,211,061, plus strand): 5'-CCCCGCCAGACCACCAGCGTGTCGCAGGGCCCGGCGGCACCCCTGCCCGGCCTCTTCGTC[C>G]AGACCGACGCCGCCGACGCCATCCCCCCGAGCCGCGCGTCGGGACCCCCCAGCGTAGCCC-3'
Protein context (NP_003710.1, residues 36-56): PAAPLPGLFV[Gln46Glu]TDAADAIPPS